The following is an entry in ClinVar:

ClinVar aggregate classification (germline): Uncertain significance (1 of 4 stars; one submission).

Submission:

GeneDx
Classification: Uncertain significance. Last evaluated: 2023-10-16. Review status: criteria provided, single submitter. Criteria: GeneDx Variant Classification Process June 2021. Collection method: clinical testing. Allele origin: germline. Affected: yes.
Comment: Not observed at significant frequency in large population cohorts (gnomAD); In silico analysis supports that this missense variant has a deleterious effect on protein structure/function; Has not been previously published as pathogenic or benign to our knowledge

NM_006767.4(LZTR1):c.1850T>G (p.Phe617Cys)

Gene: LZTR1 (leucine zipper like post translational regulator 1; plus strand). Cytogenetic location: 22q11.21.
Variant type: single nucleotide variant.
Coding change: c.1850T>G on transcript NM_006767.4 (MANE Select); coding-DNA position 1850, T replaced by G.
Protein change: p.Phe617Cys; replaces phenylalanine 617 with cysteine.
Molecular consequence: missense variant.
Genome position (GRCh38, 1-based): chr22:20,994,934, T>G. VCF-style: chr22-20994934-T-G. GRCh37 (hg19) VCF-style: chr22-21349223-T-G.
Other names: short protein forms F617C.
Identifiers: ClinVar variation 3366119 (VCV003366119.1).